The following is an entry in ClinVar:

ClinVar aggregate classification (germline): Uncertain significance (1 of 4 stars; one submission).

Submission:

Labcorp Genetics (formerly Invitae), Labcorp
Classification: Uncertain significance. Last evaluated: 2022-02-10. Review status: criteria provided, single submitter. Criteria: Invitae Variant Classification Sherloc (09022015). Collection method: clinical testing. Allele origin: germline.
Comment: This sequence change replaces alanine, which is neutral and non-polar, with threonine, which is neutral and polar, at codon 3320 of the CDH23 protein (p.Ala3320Thr). In summary, the available evidence is currently insufficient to determine the role of this variant in disease. Therefore, it has been classified as a Variant of Uncertain Significance. Algorithms developed to predict the effect of missense changes on protein structure and function are either unavailable or do not agree on the potential impact of this missense change (SIFT: "Deleterious"; PolyPhen-2: "Not Available"; Align-GVGD: "Class C0"). This variant has not been reported in the literature in individuals affected with CDH23-related conditions. This variant is not present in population databases (gnomAD no frequency).

NM_022124.6(CDH23):c.9958G>A (p.Ala3320Thr)

Gene: CDH23 (cadherin related 23; plus strand). Cytogenetic location: 10q22.1.
Variant type: single nucleotide variant.
Coding change: c.9958G>A on transcript NM_022124.6 (MANE Select); coding-DNA position 9958, G replaced by A.
Protein change: p.Ala3320Thr; replaces alanine 3320 with threonine.
Molecular consequence: missense variant.
Genome position (GRCh38, 1-based): chr10:71,815,171, G>A. VCF-style: chr10-71815171-G-A. GRCh37 (hg19) VCF-style: chr10-73574928-G-A.
Other names: c.3238G>A, p.Ala1080Thr (NM_001171933.1); c.3133G>A, p.Ala1045Thr (NM_001171934.1); c.649G>A, p.Ala217Thr (NM_001171935.1); c.544G>A, p.Ala182Thr (NM_001171936.1); short protein forms A182T, A1080T, A217T, A3320T, A1045T.
Identifiers: ClinVar variation 1423523 (VCV001423523.8), dbSNP rs2133017837, ClinGen allele CA377138732.
Genomic context (GRCh38, chr10:71,815,171, plus strand): 5'-CTGCCCGAGGAAGACCAGAAGGGCCTGGGCCGCTCGCTGGAGACGCTGACCGCTGCCGAG[G>A]CCACTGCCTTCGAGCGCAACGCCCGCACAGAATCCGCCAAATCCACACCCCTGCACAAAC-3'
Protein context (NP_071407.4, residues 3310-3330): RSLETLTAAE[Ala3320Thr]TAFERNARTE